The following is an entry in ClinVar:

ClinVar aggregate classification (germline): Benign. Review status: criteria provided, multiple submitters, no conflicts (2 of 4 stars). 3 submissions from 3 submitters: Benign (2). 1 of the submissions does not count toward it. Last evaluated 2025-12-17.

Conditions:
H6PD-related disorder. Also called: H6PD-related condition.

Allele frequency attached by ClinVar (database versions not stated): gnomAD exomes 0.00139 and 0.00400; ExAC 0.00528; gnomAD 0.01499 and 0.01590; TOPMed 0.01647; ESP Exome Variant Server 0.01712; 1000 Genomes Project 0.02236; 1000 Genomes Project 30x 0.02358.
gnomAD v4.1: 4,389 of 1,610,270 alleles (0.27%); highest among the groups gnomAD compares: African/African-American, 5.2%; 107 homozygotes.

Submissions (3):

Labcorp Genetics (formerly Invitae), Labcorp
Classification: Benign. Last evaluated: 2025-12-17. Review status: criteria provided, single submitter. Criteria: Invitae Variant Classification Sherloc (09022015). Collection method: clinical testing. Allele origin: germline.

Breakthrough Genomics
Classification: Benign. Review status: criteria provided, single submitter. Criteria: ACMG Guidelines, 2015. Collection method: not provided. Allele origin: germline. Inheritance: Autosomal recessive inheritance. Affected: yes.

PreventionGenetics, part of Exact Sciences
Classification: Benign for H6PD-related condition. Last evaluated: 2020-01-13. Review status: no assertion criteria provided. Collection method: clinical testing. Allele origin: germline. Not counted in ClinVar's aggregate classification.
Comment: This variant is classified as benign based on ACMG/AMP sequence variant interpretation guidelines (Richards et al. 2015 PMID: 25741868, with internal and published modifications).

NM_004285.4(H6PD):c.1734C>T (p.Ala578=)

Gene: H6PD (hexose-6-phosphate dehydrogenase/glucose 1-dehydrogenase; plus strand). Cytogenetic location: 1p36.22.
Variant type: single nucleotide variant.
Coding change: c.1734C>T on transcript NM_004285.4 (MANE Select); coding-DNA position 1734, C replaced by T.
Protein change: p.Ala578=; no amino-acid change (alanine 578 retained).
Molecular consequence: synonymous variant.
Genome position (GRCh38, 1-based): chr1:9,264,227, C>T. VCF-style: chr1-9264227-C-T. GRCh37 (hg19) VCF-style: chr1-9324286-C-T.
Other names: c.1767C>T, p.Ala589= (NM_001282587.2).
Identifiers: ClinVar variation 791777 (VCV000791777.13), dbSNP rs78281451, ClinGen allele CA575396.